The following is an entry in ClinVar:

NM_000975.5(RPL11):c.299C>T (p.Ser100Leu)

Gene: RPL11 (ribosomal protein L11; plus strand). Cytogenetic location: 1p36.11.
Variant type: single nucleotide variant.
Coding change: c.299C>T on transcript NM_000975.5 (MANE Select); coding-DNA position 299, C replaced by T.
Protein change: p.Ser100Leu; replaces serine 100 with leucine.
Molecular consequence: missense variant.
Genome position (GRCh38, 1-based): chr1:23,694,694, C>T. VCF-style: chr1-23694694-C-T. GRCh37 (hg19) VCF-style: chr1-24021184-C-T.
Other names: c.296C>T, p.Ser99Leu (NM_001199802.1); short protein forms S100L, S99L.
Identifiers: ClinVar variation 3650559 (VCV003650559.2).
Genomic context (GRCh38, chr1:23,694,694, plus strand): 5'-TGTTATTGCTGCATTTTTCTCCACAGGTGCGGGAGTATGAGTTAAGAAAAAACAACTTCT[C>T]AGATACTGGAAACTTTGGTTTTGGGATCCAGGAACACATCGATCTGGGTATCAAATATGA-3'
Protein context (NP_000966.2, residues 90-110): REYELRKNNF[Ser100Leu]DTGNFGFGIQ

ClinVar aggregate classification (germline): Uncertain significance (1 of 4 stars; one submission).

Conditions:
Diamond-Blackfan anemia. Also called: Blackfan Diamond syndrome; Aregenerative anemia chronic congenital; Red cell aplasia, pure hereditary; Congenital hypoplastic anemia; Aase syndrome. Identifiers: Orphanet 124, MedGen C1260899, MeSH D029503, MONDO:0015253, HP:0004810.

Submission:

Labcorp Genetics (formerly Invitae), Labcorp
Classification: Uncertain significance for Diamond-Blackfan anemia. Last evaluated: 2024-06-05. Review status: criteria provided, single submitter. Criteria: Invitae Variant Classification Sherloc (09022015). Collection method: clinical testing. Allele origin: germline.
Comment: This sequence change replaces serine, which is neutral and polar, with leucine, which is neutral and non-polar, at codon 100 of the RPL11 protein (p.Ser100Leu). This variant is not present in population databases (gnomAD no frequency). This variant has not been reported in the literature in individuals affected with RPL11-related conditions. An algorithm developed to predict the effect of missense changes on protein structure and function (PolyPhen-2) suggests that this variant is likely to be disruptive. In summary, the available evidence is currently insufficient to determine the role of this variant in disease. Therefore, it has been classified as a Variant of Uncertain Significance.